The following is an entry in ClinVar:

NM_001348800.3(ZBTB20):c.1911T>G (p.Ser637Arg)

Gene: ZBTB20 (zinc finger and BTB domain containing 20; minus strand). Cytogenetic location: 3q13.31.
Variant type: single nucleotide variant.
Coding change: c.1911T>G on transcript NM_001348800.3 (MANE Select); coding-DNA position 1911, T replaced by G.
Protein change: p.Ser637Arg; replaces serine 637 with arginine.
Molecular consequence: missense variant. On other transcripts: non-coding transcript variant (1).
Genome position (GRCh38, 1-based): chr3:114,339,320, A>C on the plus strand (T>G on the coding strand, the complement: ZBTB20 is on the minus strand). VCF-style: chr3-114339320-A-C. GRCh37 (hg19) VCF-style: chr3-114058167-A-C.
Other names: c.1911T>G, p.Ser637Arg (NM_001164342.2, NM_001348803.3, NM_001393393.1 and 1 more transcripts); c.1692T>G, p.Ser564Arg (NM_001164343.2, NM_001164344.4, NM_001164345.4 and 9 more transcripts); short protein forms S564R, S637R.
Identifiers: ClinVar variation 3765990 (VCV003765990.1).

ClinVar aggregate classification (germline): Uncertain significance (1 of 4 stars; one submission).

Submission:

GeneDx
Classification: Uncertain significance. Last evaluated: 2024-08-29. Review status: criteria provided, single submitter. Criteria: GeneDx Variant Classification Process June 2021. Collection method: clinical testing. Allele origin: germline. Affected: yes.
Comment: Not observed at significant frequency in large population cohorts (gnomAD); In silico analysis indicates that this missense variant does not alter protein structure/function; Has not been previously published as pathogenic or benign to our knowledge